The following is an entry in ClinVar:

NM_006005.3(WFS1):c.1744G>T (p.Val582Leu)

Gene: WFS1 (wolframin ER transmembrane glycoprotein; plus strand). Cytogenetic location: 4p16.1.
Variant type: single nucleotide variant.
Coding change: c.1744G>T on transcript NM_006005.3 (MANE Select); coding-DNA position 1744, G replaced by T.
Protein change: p.Val582Leu; replaces valine 582 with leucine.
Molecular consequence: missense variant.
Genome position (GRCh38, 1-based): chr4:6,301,539, G>T. VCF-style: chr4-6301539-G-T. GRCh37 (hg19) VCF-style: chr4-6303266-G-T.
Other names: c.1744G>T, p.Val582Leu (NM_001145853.1); short protein forms V582L.
Identifiers: ClinVar variation 1904438 (VCV001904438.6), dbSNP rs377677092, ClinGen allele CA2839471.

ClinVar aggregate classification (germline): Uncertain significance. Review status: criteria provided, multiple submitters, no conflicts (2 of 4 stars). 2 submissions from 2 submitters: Uncertain significance (2). Last evaluated 2024-04-05.

Conditions:
Cataract 41 (CTRCT41). Also called: CATARACT 41, CONGENITAL NUCLEAR TYPE. Identifiers: Orphanet 91492, Orphanet 98991, Orphanet 98992, Orphanet 98995, MedGen C3805412, MONDO:0007287, OMIM 116400.
Autosomal dominant nonsyndromic hearing loss 6 (LFSNHL). Also called: DEAFNESS, AUTOSOMAL DOMINANT 6; Autosomal dominant nonsyndromic deafness 6; DEAFNESS, AUTOSOMAL DOMINANT 14; DEAFNESS, AUTOSOMAL DOMINANT 38. Identifiers: Orphanet 90635, MedGen C1833021, MONDO:0010963, OMIM 600965.
Wolfram-like syndrome. Also called: HEARING LOSS, PROGRESSIVE, WITH OPTIC ATROPHY AND/OR IMPAIRED GLUCOSE REGULATION. Identifiers: Orphanet 411590, MedGen C3280358, MONDO:0013673, OMIM 614296.
Type 2 diabetes mellitus. Also called: Type II diabetes mellitus. Identifiers: MedGen C0011860, MeSH D003924, MONDO:0005148, OMIM 125853, HP:0005978.
Wolfram syndrome 1 (WFS1). Identifiers: Orphanet 3463, MedGen C4551693, MONDO:0009101, OMIM 222300.

gnomAD v4.1: 8 of 1,613,898 alleles (0.0005%); highest among the groups gnomAD compares: African/African-American, 0.011%; no homozygotes.

Submissions (2):

Fulgent Genetics
Classification: Uncertain significance for Cataract 41; Type 2 diabetes mellitus; Wolfram syndrome 1; Autosomal dominant nonsyndromic hearing loss 6; Wolfram-like syndrome. Last evaluated: 2024-04-05. Review status: criteria provided, single submitter. Criteria: ACMG Guidelines, 2015. Collection method: clinical testing. Allele origin: germline.

Labcorp Genetics (formerly Invitae), Labcorp
Classification: Uncertain significance. Last evaluated: 2022-03-18. Review status: criteria provided, single submitter. Criteria: Invitae Variant Classification Sherloc (09022015). Collection method: clinical testing. Allele origin: germline.
Comment: This sequence change replaces valine, which is neutral and non-polar, with leucine, which is neutral and non-polar, at codon 582 of the WFS1 protein (p.Val582Leu). This variant is present in population databases (rs377677092, gnomAD 0.02%). This variant has not been reported in the literature in individuals affected with WFS1-related conditions. Advanced modeling of protein sequence and biophysical properties (such as structural, functional, and spatial information, amino acid conservation, physicochemical variation, residue mobility, and thermodynamic stability) performed at Invitae indicates that this missense variant is not expected to disrupt WFS1 protein function. In summary, the available evidence is currently insufficient to determine the role of this variant in disease. Therefore, it has been classified as a Variant of Uncertain Significance.